The following is an entry in ClinVar:

NM_004036.5(ADCY3):c.1134C>A (p.Asp378Glu)

Gene: ADCY3 (adenylate cyclase 3; minus strand). Cytogenetic location: 2p23.3.
Variant type: single nucleotide variant.
Coding change: c.1134C>A on transcript NM_004036.5 (MANE Select); coding-DNA position 1134, C replaced by A.
Protein change: p.Asp378Glu; replaces aspartic acid 378 with glutamic acid.
Molecular consequence: missense variant.
Genome position (GRCh38, 1-based): chr2:24,841,321, G>T on the plus strand (C>A on the coding strand, the complement: ADCY3 is on the minus strand). VCF-style: chr2-24841321-G-T. GRCh37 (hg19) VCF-style: chr2-25064190-G-T.
Other names: c.1134C>A, p.Asp378Glu (NM_001320613.2, NM_001377128.1, NM_001377129.1 and 2 more transcripts); c.411C>A, p.Asp137Glu (NM_001377131.1); short protein forms D137E, D378E.
Identifiers: ClinVar variation 4987627 (VCV004987627.1).

ClinVar aggregate classification (germline): Uncertain significance (1 of 4 stars; one submission).

Conditions:
ADCY3-related disorder. Also called: ADCY3-related condition.

gnomAD v4.1: 6 of 1,590,560 alleles (0.00038%); highest among the groups gnomAD compares: African/African-American, 0.0067%; no homozygotes.

Submission:

PreventionGenetics, part of Exact Sciences
Classification: Uncertain significance for ADCY3-related condition. Last evaluated: 2025-03-05. Review status: criteria provided, single submitter. Criteria: ACMG Guidelines, 2015. Collection method: clinical testing. Allele origin: germline.
Comment: The ADCY3 c.1134C>A variant is predicted to result in the amino acid substitution p.Asp378Glu. To our knowledge, this variant has not been reported in the literature or in a large population database (gnomAD), indicating this variant is rare. At this time, the clinical significance of this variant is uncertain due to the absence of conclusive functional and genetic evidence.